The following is an entry in ClinVar:

ClinVar aggregate classification (germline): Uncertain significance (1 of 4 stars; one submission).

Submission:

Labcorp Genetics (formerly Invitae), Labcorp
Classification: Uncertain significance. Last evaluated: 2021-05-18. Review status: criteria provided, single submitter. Criteria: Invitae Variant Classification Sherloc (09022015). Collection method: clinical testing. Allele origin: germline.
Comment: In summary, the available evidence is currently insufficient to determine the role of this variant in disease. Therefore, it has been classified as a Variant of Uncertain Significance. Algorithms developed to predict the effect of missense changes on protein structure and function are either unavailable or do not agree on the potential impact of this missense change (SIFT: "Tolerated"; PolyPhen-2: "Probably Damaging"; Align-GVGD: "Class C0"). This variant has not been reported in the literature in individuals with SBF1-related conditions. This variant is not present in population databases (ExAC no frequency). This sequence change replaces phenylalanine with tyrosine at codon 665 of the SBF1 protein (p.Phe665Tyr). The phenylalanine residue is highly conserved and there is a small physicochemical difference between phenylalanine and tyrosine.

NM_002972.4(SBF1):c.1994T>A (p.Phe665Tyr)

Gene: SBF1 (SET binding factor 1; minus strand). Cytogenetic location: 22q13.33.
Variant type: single nucleotide variant.
Coding change: c.1994T>A on transcript NM_002972.4 (MANE Select); coding-DNA position 1994, T replaced by A.
Protein change: p.Phe665Tyr; replaces phenylalanine 665 with tyrosine.
Molecular consequence: missense variant.
Genome position (GRCh38, 1-based): chr22:50,462,692, A>T on the plus strand (T>A on the coding strand, the complement: SBF1 is on the minus strand). VCF-style: chr22-50462692-A-T. GRCh37 (hg19) VCF-style: chr22-50901121-A-T.
Other names: c.1997T>A, p.Phe666Tyr (NM_001365819.1); short protein forms F665Y, F666Y.
Identifiers: ClinVar variation 1469217 (VCV001469217.8), dbSNP rs2148591573, ClinGen allele CA412213028.